The following is an entry in ClinVar:

ClinVar aggregate classification (germline): Uncertain significance. Review status: criteria provided, multiple submitters, no conflicts (2 of 4 stars). 2 submissions from 2 submitters: Uncertain significance (2). Last evaluated 2026-02-17.

Conditions:
Inborn genetic diseases. Identifiers: MedGen C0950123, MeSH D030342.

Allele frequency attached by ClinVar (database versions not stated): ExAC 0.00001; gnomAD 0.00001; gnomAD exomes 0.00001; TOPMed 0.00002.
gnomAD v4.1: 25 of 1,613,996 alleles (0.0015%); highest among the groups gnomAD compares: South Asian, 0.0044%; no homozygotes.

Submissions (2):

GeneDx
Classification: Uncertain significance. Last evaluated: 2026-02-17. Review status: criteria provided, single submitter. Criteria: GeneDx Variant Classification Process June 2021. Collection method: clinical testing. Allele origin: germline.
Comment: In silico analysis suggests that this missense variant does not alter protein structure/function; Has not been previously published as pathogenic or benign to our knowledge

Ambry Genetics
Classification: Uncertain significance for Inborn genetic diseases. Last evaluated: 2022-04-12. Review status: criteria provided, single submitter. Criteria: Ambry Variant Classification Scheme 2023. Collection method: clinical testing. Allele origin: germline.

NM_003285.3(TNR):c.3355A>G (p.Ser1119Gly)

Gene: TNR (tenascin R; minus strand). Cytogenetic location: 1q25.1.
Variant type: single nucleotide variant.
Coding change: c.3355A>G on transcript NM_003285.3 (MANE Select); coding-DNA position 3355, A replaced by G.
Protein change: p.Ser1119Gly; replaces serine 1119 with glycine.
Molecular consequence: missense variant.
Genome position (GRCh38, 1-based): chr1:175,354,418, T>C on the plus strand (A>G on the coding strand, the complement: TNR is on the minus strand). VCF-style: chr1-175354418-T-C. GRCh37 (hg19) VCF-style: chr1-175323554-T-C.
Other names: c.2356A>G, p.Ser786Gly (NM_001328635.2); short protein forms S786G, S1119G.
Identifiers: ClinVar variation 2283393 (VCV002283393.3), dbSNP rs544150406, ClinGen allele CA1255357.
Genomic context (GRCh38, chr1:175,354,418, plus strand): 5'-GAAGAAGGCATCAAAGTGGCCATGCTCCCTCACCTGTGGTGAAAGCGGTGGAGGTGATGC[T>C]GCTCCACGTGGTGTCCTGTGCTGCCTGCAGGAGCACCGTGTAGTCTGTGTTCTCCAACAG-3'
Protein context (NP_003276.3, residues 1109-1129): LQAAQDTTWS[Ser1119Gly]ITSTAFTTGG